The following is an entry in ClinVar:

NM_004663.5(RAB11A):c.131T>C (p.Ile44Thr)

Gene: RAB11A (RAB11A, member RAS oncogene family; plus strand). Cytogenetic location: 15q22.31.
Variant type: single nucleotide variant.
Coding change: c.131T>C on transcript NM_004663.5 (MANE Select); coding-DNA position 131, T replaced by C.
Protein change: p.Ile44Thr; replaces isoleucine 44 with threonine.
Molecular consequence: missense variant.
Genome position (GRCh38, 1-based): chr15:65,877,422, T>C. VCF-style: chr15-65877422-T-C. GRCh37 (hg19) VCF-style: chr15-66169760-T-C.
Other names: c.131T>C, p.Ile44Thr (NM_001206836.2); c.131T>C (NM_004663.4); short protein forms I44T.
Identifiers: ClinVar variation 3632845 (VCV003632845.4).
Genomic context (GRCh38, chr15:65,877,422, plus strand): 5'-AGAGTAATCTCCTGTCTCGATTTACTCGAAATGAGTTTAATCTGGAAAGCAAGAGCACCA[T>C]TGGAGTAGAGTTTGCAACAAGAAGCATCCAGGTTGATGGAAAAACAATAAAGGCACAGAT-3'
Protein context (NP_004654.1, residues 34-54): NEFNLESKST[Ile44Thr]GVEFATRSIQ

ClinVar aggregate classification (germline): Conflicting classifications of pathogenicity. Review status: criteria provided, conflicting classifications (1 of 4 stars). 2 submissions from 2 submitters: Pathogenic (1); Uncertain significance (1). Last evaluated 2025-12-09.

gnomAD v4.1: 1 of 1,614,050 alleles (0.000062%); highest among the groups gnomAD compares: East Asian, 0.0022%; no homozygotes.

Submissions (2):

GeneDx
Classification: Pathogenic. Last evaluated: 2025-12-09. Review status: criteria provided, single submitter. Criteria: GeneDx Variant Classification Process June 2021. Collection method: clinical testing. Allele origin: germline.
Comment: Not observed at significant frequency in large population cohorts (gnomAD); In silico analysis supports that this missense variant has a deleterious effect on protein structure/function; Has not been previously published as pathogenic or benign to our knowledge

Labcorp Genetics (formerly Invitae), Labcorp
Classification: Uncertain significance. Last evaluated: 2025-02-11. Review status: criteria provided, single submitter. Criteria: Invitae Variant Classification Sherloc (09022015). Collection method: clinical testing. Allele origin: germline.
Comment: This sequence change replaces isoleucine, which is neutral and non-polar, with threonine, which is neutral and polar, at codon 44 of the RAB11A protein (p.Ile44Thr). This variant is not present in population databases (gnomAD no frequency). This variant has not been reported in the literature in individuals affected with RAB11A-related conditions. An algorithm developed to predict the effect of missense changes on protein structure and function (PolyPhen-2) suggests that this variant is likely to be disruptive. In summary, the available evidence is currently insufficient to determine the role of this variant in disease. Therefore, it has been classified as a Variant of Uncertain Significance.